The following is an entry in ClinVar:

ClinVar aggregate classification (germline): Benign/Likely benign. Review status: criteria provided, multiple submitters, no conflicts (2 of 4 stars). 3 submissions from 3 submitters: Benign (1); Likely benign (1). 1 of the submissions does not count toward it. Last evaluated 2025-10-27.

Conditions:
MCM2-related disorder. Also called: MCM2-related condition.

Allele frequency attached by ClinVar (database versions not stated): ESP Exome Variant Server 0.00023; TOPMed 0.00025; 1000 Genomes Project 30x 0.00094; 1000 Genomes Project 0.00120; gnomAD exomes 0.00155; ExAC 0.00236; gnomAD 0.00319.
gnomAD v4.1: 2,675 of 1,614,166 alleles (0.17%); highest among the groups gnomAD compares: Non-Finnish European, 0.048%; 32 homozygotes.

Submissions (3):

Labcorp Genetics (formerly Invitae), Labcorp
Classification: Benign. Last evaluated: 2025-10-27. Review status: criteria provided, single submitter. Criteria: Invitae Variant Classification Sherloc (09022015). Collection method: clinical testing. Allele origin: germline.

GeneDx
Classification: Likely benign. Last evaluated: 2021-03-04. Review status: criteria provided, single submitter. Criteria: GeneDx Variant Classification Process June 2021. Collection method: clinical testing. Allele origin: germline. Affected: yes.

PreventionGenetics, part of Exact Sciences
Classification: Benign for MCM2-related condition. Last evaluated: 2019-03-13. Review status: no assertion criteria provided. Collection method: clinical testing. Allele origin: germline. Not counted in ClinVar's aggregate classification.
Comment: This variant is classified as benign based on ACMG/AMP sequence variant interpretation guidelines (Richards et al. 2015 PMID: 25741868, with internal and published modifications).

NM_004526.4(MCM2):c.1656G>A (p.Ser552=)

Gene: MCM2 (minichromosome maintenance complex component 2; plus strand). Cytogenetic location: 3q21.3.
Variant type: single nucleotide variant.
Coding change: c.1656G>A on transcript NM_004526.4 (MANE Select); coding-DNA position 1656, G replaced by A.
Protein change: p.Ser552=; no amino-acid change (serine 552 retained).
Molecular consequence: synonymous variant. On other transcripts: non-coding transcript variant (1).
Genome position (GRCh38, 1-based): chr3:127,617,001, G>A. VCF-style: chr3-127617001-G-A. GRCh37 (hg19) VCF-style: chr3-127335844-G-A.
Identifiers: ClinVar variation 747011 (VCV000747011.13), dbSNP rs138708920, ClinGen allele CA2595971.